The following is an entry in ClinVar:

ClinVar aggregate classification (germline): Conflicting classifications of pathogenicity. Review status: criteria provided, conflicting classifications (1 of 4 stars). 3 submissions from 3 submitters: Uncertain significance (2); Benign (1). Last evaluated 2025-10-29.

Conditions:
Gorlin syndrome. Also called: Basal cell nevus syndrome; Nevoid Basal Cell Carcinoma Syndrome. Identifiers: Orphanet 377, MedGen C0004779, MONDO:0007187.
Hereditary cancer-predisposing syndrome. Also called: Neoplastic Syndromes, Hereditary; Hereditary Cancer Syndrome; Hereditary neoplastic syndrome; Tumor predisposition. Identifiers: Orphanet 140162, MedGen C0027672, MeSH D009386, MONDO:0015356.
Basal cell nevus syndrome 1 (BCNS1). Also called: GORLIN-GOLTZ SYNDROME; MULTIPLE BASAL CELL NEVI, ODONTOGENIC KERATOCYSTS, AND SKELETAL ANOMALIES. Identifiers: MedGen CN376810, MONDO:0958174, OMIM 109400.

Allele frequency attached by ClinVar (database versions not stated): gnomAD exomes below 0.00001; gnomAD 0.00002; TOPMed 0.00005.
gnomAD v4.1: 4 of 1,614,096 alleles (0.00025%); highest among the groups gnomAD compares: African/African-American, 0.0053%; no homozygotes.

Submissions (3):

Labcorp Genetics (formerly Invitae), Labcorp
Classification: Benign for Gorlin syndrome. Last evaluated: 2025-10-29. Review status: criteria provided, single submitter. Criteria: Invitae Variant Classification Sherloc (09022015). Collection method: clinical testing. Allele origin: germline.

Ambry Genetics
Classification: Uncertain significance for Hereditary cancer-predisposing syndrome. Last evaluated: 2025-03-07. Review status: criteria provided, single submitter. Criteria: Ambry Variant Classification Scheme 2023. Collection method: clinical testing. Allele origin: germline.
Comment: The p.A398T variant (also known as c.1192G>A), located in coding exon 8 of the PTCH1 gene, results from a G to A substitution at nucleotide position 1192. The alanine at codon 398 is replaced by threonine, an amino acid with similar properties. This amino acid position is highly conserved in available vertebrate species. In addition, the in silico prediction for this alteration is inconclusive. Since supporting evidence is limited at this time, the clinical significance of this alteration remains unclear.

Institute for Genomic Medicine (IGM) Clinical Laboratory, Nationwide Children's Hospital
Classification: Uncertain significance for Basal cell nevus syndrome 1. Last evaluated: 2024-11-08. Review status: criteria provided, single submitter. Criteria: ACMG Guidelines, 2015. Collection method: clinical testing. Allele origin: germline.
Comment: This variant does not meet any ACMG/AMP criteria for pathogenicity or benignity. In accordance with ACMG/AMP guidelines, this variant is classified as a variant of uncertain significance.

NM_000264.5(PTCH1):c.1192G>A (p.Ala398Thr)

Gene: PTCH1 (patched 1; minus strand). Cytogenetic location: 9q22.32.
Variant type: single nucleotide variant.
Coding change: c.1192G>A on transcript NM_000264.5 (MANE Select); coding-DNA position 1192, G replaced by A.
Protein change: p.Ala398Thr; replaces alanine 398 with threonine.
Molecular consequence: missense variant. On other transcripts: non-coding transcript variant (1).
Genome position (GRCh38, 1-based): chr9:95,479,023, C>T on the plus strand (G>A on the coding strand, the complement: PTCH1 is on the minus strand). VCF-style: chr9-95479023-C-T. GRCh37 (hg19) VCF-style: chr9-98241305-C-T.
Other names: c.994G>A, p.Ala332Thr (NM_001083602.3); c.1189G>A, p.Ala397Thr (NM_001083603.3); c.739G>A, p.Ala247Thr (NM_001083604.3, NM_001083605.3, NM_001083606.3 and 1 more transcripts); c.1192G>A, p.Ala398Thr (NM_001354918.2); short protein forms A247T, A398T, A332T, A397T.
Identifiers: ClinVar variation 642143 (VCV000642143.13), dbSNP rs937023804, ClinGen allele CA196594873.